The following is an entry in ClinVar:

ClinVar aggregate classification (germline): Uncertain significance (1 of 4 stars; one submission).

Conditions:
Cardiovascular phenotype. Identifiers: MedGen CN230736.

gnomAD v4.1: 10 of 1,550,390 alleles (0.00064%); highest among the groups gnomAD compares: Non-Finnish European, 0.0007%; no homozygotes.

Submission:

Ambry Genetics
Classification: Uncertain significance for Cardiovascular phenotype. Last evaluated: 2024-11-05. Review status: criteria provided, single submitter. Criteria: Ambry Variant Classification Scheme 2023. Collection method: clinical testing. Allele origin: germline.
Comment: The p.P2178L variant (also known as c.6533C>T), located in coding exon 2 of the ZNF469 gene, results from a C to T substitution at nucleotide position 6533. The proline at codon 2178 is replaced by leucine, an amino acid with similar properties. This amino acid position is conserved. In addition, this alteration is predicted to be tolerated by in silico analysis. Based on the available evidence, the clinical significance of this variant remains unclear.

NM_001367624.2(ZNF469):c.6617C>T (p.Pro2206Leu)

Gene: ZNF469 (zinc finger protein 469; plus strand). Cytogenetic location: 16q24.2.
Variant type: single nucleotide variant.
Coding change: c.6617C>T on transcript NM_001367624.2 (MANE Select); coding-DNA position 6617, C replaced by T.
Protein change: p.Pro2206Leu; replaces proline 2206 with leucine.
Molecular consequence: missense variant.
Genome position (GRCh38, 1-based): chr16:88,434,087, C>T. VCF-style: chr16-88434087-C-T. GRCh37 (hg19) VCF-style: chr16-88500495-C-T.
Other names: NM_001127464.1:c.6533C>T; short protein forms P2206L.
Identifiers: ClinVar variation 3476267 (VCV003476267.1).